The following is an entry in ClinVar:

NM_001039591.3(USP9X):c.547A>G (p.Lys183Glu)

Gene: USP9X (ubiquitin specific peptidase 9 X-linked; plus strand). Cytogenetic location: Xp11.4.
Variant type: single nucleotide variant.
Coding change: c.547A>G on transcript NM_001039591.3 (MANE Select); coding-DNA position 547, A replaced by G.
Protein change: p.Lys183Glu; replaces lysine 183 with glutamic acid.
Molecular consequence: missense variant.
Genome position (GRCh38, 1-based): chrX:41,136,915, A>G. VCF-style: chrX-41136915-A-G. GRCh37 (hg19) VCF-style: chrX-40996168-A-G.
Other names: c.547A>G, p.Lys183Glu (NM_001039590.3); short protein forms K183E.
Identifiers: ClinVar variation 1700466 (VCV001700466.2), dbSNP rs2147035257, ClinGen allele CA412763222.

ClinVar aggregate classification (germline): Uncertain significance (1 of 4 stars; one submission).

Submission:

GeneDx
Classification: Uncertain significance. Last evaluated: 2022-02-04. Review status: criteria provided, single submitter. Criteria: GeneDx Variant Classification Process June 2021. Collection method: clinical testing. Allele origin: germline. Affected: yes.
Comment: Not observed at significant frequency in large population cohorts (gnomAD); In silico analysis supports that this missense variant has a deleterious effect on protein structure/function; Has not been previously published as pathogenic or benign to our knowledge